The following is an entry in ClinVar:

ClinVar aggregate classification (germline): Pathogenic (1 of 4 stars; one submission).

Conditions:
Familial cancer of breast. Also called: BREAST CANCER, FAMILIAL; Hereditary breast cancer; hereditary breast carcinoma. Identifiers: Orphanet 227535, MedGen C0346153, MONDO:0016419, OMIM 114480. Disease mechanism: loss of function.

Submission:

Myriad Genetics, Inc.
Classification: Pathogenic for Familial cancer of breast. Last evaluated: 2024-01-17. Review status: criteria provided, single submitter. Criteria: Myriad Autosomal Dominant, Autosomal Recessive and X-Linked Classification Criteria (2023). Collection method: clinical testing. Allele origin: unknown.
Comment: This variant is considered pathogenic. This variant creates a frameshift predicted to result in premature protein truncation.

NM_000051.4(ATM):c.2036_2038delinsTCCACCAGAA (p.Gly679fs)

Gene: ATM (ATM serine/threonine kinase; plus strand). Cytogenetic location: 11q22.3.
Variant type: Indel.
Coding change: c.2036_2038delinsTCCACCAGAA on transcript NM_000051.4 (MANE Select); coding-DNA positions 2036 to 2038, GCT replaced by TCCACCAGAA.
Protein change: p.Gly679fs; shifts the reading frame from glycine 679.
Molecular consequence: frameshift variant.
Genome position (GRCh38, 1-based): chr11:108,253,951-108,253,953, GCT replaced by TCCACCAGAA. VCF-style: chr11-108253951-GCT-TCCACCAGAA. GRCh37 (hg19) VCF-style: chr11-108124678-GCT-TCCACCAGAA.
Other names: c.2036_2038delinsTCCACCAGAA, p.Gly679fs (NM_001351834.2); short protein forms G679fs.
Identifiers: ClinVar variation 3148527 (VCV003148527.1), dbSNP rs2497315481, ClinGen allele CA2825001780.
Genomic context (GRCh38, chr11:108,253,951, plus strand): 5'-AGATGGACTTTTTAACCATTGTGAGAGAATGTGGTATAGAAAAGCACCAGTCCAGTATTG[GCT>TCCACCAGAA]TCTCTGTCCACCAGAATCTCAAGGAATCACTGGATCGCTGTCTTCTGGGATTATCAGAAC-3'